The following is an entry in ClinVar:

NM_001042492.3(NF1):c.2235C>T (p.Ser745=)

Gene: NF1 (neurofibromin 1; plus strand). Cytogenetic location: 17q11.2.
Variant type: single nucleotide variant.
Coding change: c.2235C>T on transcript NM_001042492.3 (MANE Select); coding-DNA position 2235, C replaced by T.
Protein change: p.Ser745=; no amino-acid change (serine 745 retained).
Molecular consequence: synonymous variant.
Genome position (GRCh38, 1-based): chr17:31,226,668, C>T. VCF-style: chr17-31226668-C-T. GRCh37 (hg19) VCF-style: chr17-29553686-C-T.
Other names: c.2235C>T, p.Ser745= (NM_000267.4).
Identifiers: ClinVar variation 412992 (VCV000412992.55), dbSNP rs1060503901, ClinGen allele CA16615593.

ClinVar aggregate classification (germline): Conflicting classifications of pathogenicity. Review status: criteria provided, conflicting classifications (1 of 4 stars). 5 submissions from 5 submitters: Uncertain significance (1); Benign (1); Likely benign (3). Last evaluated 2026-09-29.

Conditions:
Neurofibromatosis, type 1 (NF1). Also called: VON RECKLINGHAUSEN DISEASE; NEUROFIBROMATOSIS, TYPE I, SOMATIC; Neurofibromatosis, type I; Peripheral type neurofibromatosis. Identifiers: Orphanet 636, MedGen C0027831, MONDO:0018975, OMIM 162200. Disease mechanism: loss of function.
Hereditary cancer-predisposing syndrome. Also called: Hereditary Cancer Syndrome; Hereditary neoplastic syndrome; Neoplastic Syndromes, Hereditary; Tumor predisposition. Identifiers: Orphanet 140162, MedGen C0027672, MeSH D009386, MONDO:0015356.
Cardiovascular phenotype. Identifiers: MedGen CN230736.

Allele frequency attached by ClinVar (database versions not stated): TOPMed 0.00002; gnomAD exomes below 0.00001.
gnomAD v4.1: 1 of 1,613,798 alleles (0.000062%); highest among the groups gnomAD compares: Admixed American, 0.0017%; no homozygotes.

Submissions (5):

Myriad Genetics, Inc.
Classification: Benign for Neurofibromatosis, type 1. Last evaluated: 2026-09-29. Review status: criteria provided, single submitter. Criteria: Myriad Autosomal Dominant, Autosomal Recessive and X-Linked Classification Criteria (2023). Collection method: clinical testing. Allele origin: unknown.
Comment: This variant is considered benign. This variant is a silent/synonymous amino acid change and it is not expected to impact splicing.

Labcorp Genetics (formerly Invitae), Labcorp
Classification: Likely benign for Neurofibromatosis, type 1. Last evaluated: 2026-01-17. Review status: criteria provided, single submitter. Criteria: Invitae Variant Classification Sherloc (09022015). Collection method: clinical testing. Allele origin: germline.

Quest Diagnostics Nichols Institute San Juan Capistrano
Classification: Uncertain significance. Last evaluated: 2025-05-08. Review status: criteria provided, single submitter. Criteria: Quest Diagnostics criteria. Collection method: clinical testing. Allele origin: unknown.

Genome-Nilou Lab
Classification: Likely benign for Neurofibromatosis, type 1. Last evaluated: 2022-03-15. Review status: criteria provided, single submitter. Criteria: ACMG Guidelines, 2015. Collection method: clinical testing. Allele origin: germline. Affected: no.

Ambry Genetics
Classification: Likely benign for Cardiovascular phenotype; Hereditary cancer-predisposing syndrome. Last evaluated: 2016-06-03. Review status: criteria provided, single submitter. Criteria: Ambry Variant Classification Scheme 2023. Collection method: clinical testing. Allele origin: germline.